The following is an entry in ClinVar:

ClinVar aggregate classification (germline): Uncertain significance (1 of 4 stars; one submission).

Submission:

Labcorp Genetics (formerly Invitae), Labcorp
Classification: Uncertain significance. Last evaluated: 2022-06-13. Review status: criteria provided, single submitter. Criteria: Invitae Variant Classification Sherloc (09022015). Collection method: clinical testing. Allele origin: germline.
Comment: In summary, the available evidence is currently insufficient to determine the role of this variant in disease. Therefore, it has been classified as a Variant of Uncertain Significance. Advanced modeling of protein sequence and biophysical properties (such as structural, functional, and spatial information, amino acid conservation, physicochemical variation, residue mobility, and thermodynamic stability) performed at Invitae indicates that this missense variant is not expected to disrupt MYO7A protein function. This variant has not been reported in the literature in individuals affected with MYO7A-related conditions. This variant is not present in population databases (gnomAD no frequency). This sequence change replaces glycine, which is neutral and non-polar, with aspartic acid, which is acidic and polar, at codon 1222 of the MYO7A protein (p.Gly1222Asp).

NM_000260.4(MYO7A):c.3665G>A (p.Gly1222Asp)

Gene: MYO7A (myosin VIIA; plus strand). Cytogenetic location: 11q13.5.
Variant type: single nucleotide variant.
Coding change: c.3665G>A on transcript NM_000260.4 (MANE Select); coding-DNA position 3665, G replaced by A.
Protein change: p.Gly1222Asp; replaces glycine 1222 with aspartic acid.
Molecular consequence: missense variant.
Genome position (GRCh38, 1-based): chr11:77,190,054, G>A. VCF-style: chr11-77190054-G-A. GRCh37 (hg19) VCF-style: chr11-76901099-G-A.
Other names: c.3665G>A, p.Gly1222Asp (NM_001127180.2); c.3632G>A, p.Gly1211Asp (NM_001369365.1); short protein forms G1222D, G1211D.
Identifiers: ClinVar variation 1377563 (VCV001377563.6), dbSNP rs2135555904, ClinGen allele CA381947170.